The following is an entry in ClinVar:

ClinVar aggregate classification (germline): Likely benign (1 of 4 stars; one submission).

Allele frequency attached by ClinVar (database versions not stated): TOPMed 0.00107; gnomAD 0.00113; ExAC 0.00120; ESP Exome Variant Server 0.00123; gnomAD exomes 0.00133.
gnomAD v4.1: 2,084 of 1,614,038 alleles (0.13%); highest among the groups gnomAD compares: Non-Finnish European, 0.16%; 1 homozygote.

Submission:

CeGaT Center for Human Genetics Tuebingen
Classification: Likely benign. Last evaluated: 2022-11-01. Review status: criteria provided, single submitter. Criteria: CeGaT Center For Human Genetics Tuebingen Variant Classification Criteria Version 2. Collection method: clinical testing. Allele origin: germline. Affected: yes. Observed: 1 variant allele.
Comment: SLC8A2: BP4, BP7

NM_015063.3(SLC8A2):c.2289C>T (p.Thr763=)

Gene: SLC8A2 (solute carrier family 8 member A2; minus strand). Cytogenetic location: 19q13.32.
Variant type: single nucleotide variant.
Coding change: c.2289C>T on transcript NM_015063.3 (MANE Select); coding-DNA position 2289, C replaced by T.
Protein change: p.Thr763=; no amino-acid change (threonine 763 retained).
Molecular consequence: synonymous variant.
Genome position (GRCh38, 1-based): chr19:47,432,267, G>A on the plus strand (C>T on the coding strand, the complement: SLC8A2 is on the minus strand). VCF-style: chr19-47432267-G-A. GRCh37 (hg19) VCF-style: chr19-47935524-G-A.
Identifiers: ClinVar variation 2650150 (VCV002650150.24), dbSNP rs150808359, ClinGen allele CA9539694.